The following is an entry in ClinVar:

NM_002734.5(PRKAR1A):c.300C>G (p.Ile100Met)

Gene: PRKAR1A (protein kinase cAMP-dependent type I regulatory subunit alpha; plus strand). Cytogenetic location: 17q24.2.
Variant type: single nucleotide variant.
Coding change: c.300C>G on transcript NM_002734.5 (MANE Select); coding-DNA position 300, C replaced by G.
Protein change: p.Ile100Met; replaces isoleucine 100 with methionine.
Molecular consequence: missense variant.
Genome position (GRCh38, 1-based): chr17:68,522,878, C>G. VCF-style: chr17-68522878-C-G. GRCh37 (hg19) VCF-style: chr17-66519019-C-G.
Other names: c.300C>G, p.Ile100Met (NM_001276289.2, NM_001276290.1, NM_001278433.2 and 4 more transcripts); short protein forms I100M.
Identifiers: ClinVar variation 5027301 (VCV005027301.1).

ClinVar aggregate classification (germline): Uncertain significance (1 of 4 stars; one submission).

Conditions:
Hereditary cancer-predisposing syndrome. Also called: Neoplastic Syndromes, Hereditary; Tumor predisposition; Hereditary neoplastic syndrome; Hereditary Cancer Syndrome. Identifiers: Orphanet 140162, MedGen C0027672, MeSH D009386, MONDO:0015356.

Submission:

Ambry Genetics
Classification: Uncertain significance for Hereditary cancer-predisposing syndrome. Last evaluated: 2026-07-02. Review status: criteria provided, single submitter. Criteria: Ambry Variant Classification Scheme 2023. Collection method: clinical testing. Allele origin: germline.
Comment: The p.I100M variant (also known as c.300C>G), located in coding exon 2 of the PRKAR1A gene, results from a C to G substitution at nucleotide position 300. The isoleucine at codon 100 is replaced by methionine, an amino acid with highly similar properties. This amino acid position is conserved. In addition, the in silico prediction for this alteration is inconclusive. Based on the available evidence, the clinical significance of this variant remains unclear.